The following is an entry in ClinVar:

NM_001378454.1(ALMS1):c.1876_1879del (p.Glu626fs)

Gene: ALMS1 (ALMS1 centrosome and basal body associated protein; plus strand). Cytogenetic location: 2p13.1.
Variant type: Microsatellite.
Coding change: c.1876_1879del on transcript NM_001378454.1 (MANE Select); coding-DNA positions 1876 to 1879, 4 bases deleted (GAGA; older notation c.1876_1879delGAGA).
Protein change: p.Glu626fs; shifts the reading frame from glutamic acid 626.
Molecular consequence: frameshift variant.
Genome position (GRCh38, 1-based): chr2:73,448,403-73,448,406, GAGA deleted; deleting any 4 consecutive bases within chr2:73,448,400-73,448,406 gives the same sequence; the c. name uses the placement nearest the transcript's 3' end. VCF-style (leftmost placement, unchanged base first): chr2-73448399-TAGAG-T. GRCh37 (hg19) VCF-style: chr2-73675526-TAGAG-T.
Other names: c.1879_1882del, p.Glu627fs (NM_015120.4); short protein forms E627fs, E626fs.
Identifiers: ClinVar variation 2772382 (VCV002772382.3), dbSNP rs2466092629, ClinGen allele CA2697548309.

ClinVar aggregate classification (germline): Pathogenic (1 of 4 stars; one submission).

Conditions:
Alstrom syndrome (ALMS). Identifiers: Orphanet 64, MedGen C0268425, MONDO:0008763, OMIM 203800.

Submission:

Labcorp Genetics (formerly Invitae), Labcorp
Classification: Pathogenic for Alstrom syndrome. Last evaluated: 2023-10-28. Review status: criteria provided, single submitter. Criteria: Invitae Variant Classification Sherloc (09022015). Collection method: clinical testing. Allele origin: germline.
Comment: This sequence change creates a premature translational stop signal (p.Glu627Serfs*15) in the ALMS1 gene. It is expected to result in an absent or disrupted protein product. Loss-of-function variants in ALMS1 are known to be pathogenic (PMID: 17594715). This variant is not present in population databases (gnomAD no frequency). This variant has not been reported in the literature in individuals affected with ALMS1-related conditions. For these reasons, this variant has been classified as Pathogenic.

Literature cited by the submitters: PubMed 17594715.